The following is an entry in ClinVar:

ClinVar aggregate classification (germline): Uncertain significance. Review status: criteria provided, multiple submitters, no conflicts (2 of 4 stars). 2 submissions from 2 submitters: Uncertain significance (2). Last evaluated 2019-07-10.

Conditions:
Dilated cardiomyopathy 1DD (CMD1DD). Identifiers: Orphanet 154, MedGen C2750995, MONDO:0013168, OMIM 613172.

Allele frequency attached by ClinVar (database versions not stated): gnomAD exomes below 0.00001.
gnomAD v4.1: 2 of 1,551,540 alleles (0.00013%); highest among the groups gnomAD compares: Non-Finnish European, 0.00017%; no homozygotes.

Submissions (2):

Labcorp Genetics (formerly Invitae), Labcorp
Classification: Uncertain significance for Dilated cardiomyopathy 1DD. Last evaluated: 2019-07-10. Review status: criteria provided, single submitter. Criteria: Invitae Variant Classification Sherloc (09022015). Collection method: clinical testing. Allele origin: germline.
Comment: This sequence change replaces valine with leucine at codon 292 of the RBM20 protein (p.Val292Leu). The valine residue is weakly conserved and there is a small physicochemical difference between valine and leucine. This variant is not present in population databases (ExAC no frequency). This variant has not been reported in the literature in individuals with RBM20-related conditions. ClinVar contains an entry for this variant (Variation ID: 298789). Algorithms developed to predict the effect of missense changes on protein structure and function output the following: SIFT: "Not Available"; PolyPhen-2: "Benign"; Align-GVGD: "Class C0". The leucine amino acid residue is found in multiple mammalian species, suggesting that this missense change does not adversely affect protein function. These predictions have not been confirmed by published functional studies and their clinical significance is uncertain. In summary, the available evidence is currently insufficient to determine the role of this variant in disease. Therefore, it has been classified as a Variant of Uncertain Significance.

Illumina Laboratory Services, Illumina
Classification: Uncertain significance for Dilated cardiomyopathy 1DD. Last evaluated: 2018-01-13. Review status: criteria provided, single submitter. Criteria: ICSL Variant Classification Criteria 13 December 2019. Collection method: clinical testing. Allele origin: germline.

NM_001134363.3(RBM20):c.874G>T (p.Val292Leu)

Gene: RBM20 (RNA binding motif protein 20; plus strand). Cytogenetic location: 10q25.2.
Variant type: single nucleotide variant.
Coding change: c.874G>T on transcript NM_001134363.3 (MANE Select); coding-DNA position 874, G replaced by T.
Protein change: p.Val292Leu; replaces valine 292 with leucine.
Molecular consequence: missense variant.
Genome position (GRCh38, 1-based): chr10:110,781,483, G>T. VCF-style: chr10-110781483-G-T. GRCh37 (hg19) VCF-style: chr10-112541241-G-T.
Other names: c.874G>T (LRG_382t1); short protein forms V292L.
Identifiers: ClinVar variation 298789 (VCV000298789.6), dbSNP rs886046702, ClinGen allele CA10628034.